The following is an entry in ClinVar:

NM_006984.5(CLDN10):c.464+5G>A

Gene: CLDN10 (claudin 10; plus strand). Cytogenetic location: 13q32.1.
Variant type: single nucleotide variant.
Coding change: c.464+5G>A on transcript NM_006984.5 (MANE Select); 5 bases into the intron after coding-DNA position 464, G replaced by A.
Molecular consequence: intron variant.
Genome position (GRCh38, 1-based): chr13:95,560,468, G>A. VCF-style: chr13-95560468-G-A. GRCh37 (hg19) VCF-style: chr13-96212722-G-A.
Other names: c.458+5G>A (NM_182848.4); c.401+5G>A (NM_001160100.2).
Identifiers: ClinVar variation 5010186 (VCV005010186.1).

ClinVar aggregate classification (germline): Uncertain significance (1 of 4 stars; one submission).

Conditions:
HELIX syndrome. Also called: HYPOHIDROSIS, ELECTROLYTE IMBALANCE, LACRIMAL GLAND DYSFUNCTION, ICHTHYOSIS, AND XEROSTOMIA; Hypohidrosis-electrolyte imbalance-lacrimal gland dysfunction-ichthyosis-xerostomia syndrome. Identifiers: Orphanet 528105, MedGen C4522164, MONDO:0060564, OMIM 617671.

Submission:

MVZ Medizinische Genetik Mainz
Classification: Uncertain significance for HELIX syndrome. Last evaluated: 2026-08-17. Review status: criteria provided, single submitter. Criteria: UK Practice Guidelines For Variant Classification V4 01 2020. Collection method: clinical testing. Allele origin: germline. Inheritance: Autosomal recessive inheritance. Affected: no. Observed: 1 variant allele.
Comment: ACMG Criteria: PM2_SUP,PP3,PP4; Compound Heterozygote